The following is an entry in ClinVar:

NM_020461.4(TUBGCP6):c.5107G>A (p.Val1703Met)

Gene: TUBGCP6 (tubulin gamma complex component 6; minus strand). Cytogenetic location: 22q13.33.
Variant type: single nucleotide variant.
Coding change: c.5107G>A on transcript NM_020461.4 (MANE Select); coding-DNA position 5107, G replaced by A.
Protein change: p.Val1703Met; replaces valine 1703 with methionine.
Molecular consequence: missense variant.
Genome position (GRCh38, 1-based): chr22:50,218,250, C>T on the plus strand (G>A on the coding strand, the complement: TUBGCP6 is on the minus strand). VCF-style: chr22-50218250-C-T. GRCh37 (hg19) VCF-style: chr22-50656679-C-T.
Other names: short protein forms V1703M.
Identifiers: ClinVar variation 971818 (VCV000971818.11), dbSNP rs750468397, ClinGen allele CA412164127.

ClinVar aggregate classification (germline): Uncertain significance. Review status: criteria provided, multiple submitters, no conflicts (2 of 4 stars). 2 submissions from 2 submitters: Uncertain significance (2). Last evaluated 2022-05-16.

Conditions:
Inborn genetic diseases. Identifiers: MedGen C0950123, MeSH D030342.

Allele frequency attached by ClinVar (database versions not stated): gnomAD 0.00002; TOPMed 0.00002.
gnomAD v4.1: 14 of 1,612,934 alleles (0.00087%); highest among the groups gnomAD compares: African/African-American, 0.004%; no homozygotes.

Submissions (2):

Ambry Genetics
Classification: Uncertain significance for Inborn genetic diseases. Last evaluated: 2022-05-16. Review status: criteria provided, single submitter. Criteria: Ambry Variant Classification Scheme 2023. Collection method: clinical testing. Allele origin: germline.

Labcorp Genetics (formerly Invitae), Labcorp
Classification: Uncertain significance. Last evaluated: 2022-02-23. Review status: criteria provided, single submitter. Criteria: Invitae Variant Classification Sherloc (09022015). Collection method: clinical testing. Allele origin: germline.
Comment: This variant has not been reported in the literature in individuals affected with TUBGCP6-related conditions. This variant is present in population databases (no rsID available, gnomAD 0.004%). This sequence change replaces valine, which is neutral and non-polar, with methionine, which is neutral and non-polar, at codon 1703 of the TUBGCP6 protein (p.Val1703Met). ClinVar contains an entry for this variant (Variation ID: 971818). Algorithms developed to predict the effect of missense changes on protein structure and function are either unavailable or do not agree on the potential impact of this missense change (SIFT: "Deleterious"; PolyPhen-2: "Probably Damaging"; Align-GVGD: "Class C0"). In summary, the available evidence is currently insufficient to determine the role of this variant in disease. Therefore, it has been classified as a Variant of Uncertain Significance.